The following is an entry in ClinVar:

NM_004006.3(DMD):c.5894A>G (p.Gln1965Arg)

Gene: DMD (dystrophin; minus strand). Cytogenetic location: Xp21.1.
Variant type: single nucleotide variant.
Coding change: c.5894A>G on transcript NM_004006.3 (MANE Select); coding-DNA position 5894, A replaced by G.
Protein change: p.Gln1965Arg; replaces glutamine 1965 with arginine.
Molecular consequence: missense variant.
Genome position (GRCh38, 1-based): chrX:32,342,128, T>C on the plus strand (A>G on the coding strand, the complement: DMD is on the minus strand). VCF-style: chrX-32342128-T-C. GRCh37 (hg19) VCF-style: chrX-32360245-T-C.
Other names: c.5870A>G, p.Gln1957Arg (NM_000109.4); c.5882A>G, p.Gln1961Arg (NM_004009.3); c.5525A>G, p.Gln1842Arg (NM_004010.3); c.1871A>G, p.Gln624Arg (NM_004011.4); c.1862A>G, p.Gln621Arg (NM_004012.4); short protein forms Q1957R, Q621R, Q624R, Q1842R, Q1965R, Q1961R.
Identifiers: ClinVar variation 1424151 (VCV001424151.8), dbSNP rs2148812632, ClinGen allele CA412664752.

ClinVar aggregate classification (germline): Uncertain significance (1 of 4 stars; one submission).

Conditions:
Duchenne muscular dystrophy (DMD). Also called: MUSCULAR DYSTROPHY, PSEUDOHYPERTROPHIC PROGRESSIVE, DUCHENNE TYPE; Duchenne Muscular Dystrophy (DMD). Identifiers: Orphanet 98896, MedGen C0013264, MONDO:0010679, OMIM 310200.

Submission:

Labcorp Genetics (formerly Invitae), Labcorp
Classification: Uncertain significance for Duchenne muscular dystrophy. Last evaluated: 2025-06-22. Review status: criteria provided, single submitter. Criteria: Invitae Variant Classification Sherloc (09022015). Collection method: clinical testing. Allele origin: germline.
Comment: This sequence change replaces glutamine, which is neutral and polar, with arginine, which is basic and polar, at codon 1965 of the DMD protein (p.Gln1965Arg). This variant is not present in population databases (gnomAD no frequency). This variant has not been reported in the literature in individuals affected with DMD-related conditions. ClinVar contains an entry for this variant (Variation ID: 1424151). Invitae Evidence Modeling of protein sequence and biophysical properties (such as structural, functional, and spatial information, amino acid conservation, physicochemical variation, residue mobility, and thermodynamic stability) indicates that this missense variant is not expected to disrupt DMD protein function with a negative predictive value of 95%. In summary, the available evidence is currently insufficient to determine the role of this variant in disease. Therefore, it has been classified as a Variant of Uncertain Significance.